The following is an entry in ClinVar:

NM_000264.5(PTCH1):c.3063C>G (p.Tyr1021Ter)

Gene: PTCH1 (patched 1; minus strand). Cytogenetic location: 9q22.32.
Variant type: single nucleotide variant.
Coding change: c.3063C>G on transcript NM_000264.5 (MANE Select); coding-DNA position 3063, C replaced by G.
Protein change: p.Tyr1021Ter; replaces tyrosine 1021 with a stop codon.
Molecular consequence: nonsense. On other transcripts: non-coding transcript variant (1).
Genome position (GRCh38, 1-based): chr9:95,458,118, G>C on the plus strand (C>G on the coding strand, the complement: PTCH1 is on the minus strand). VCF-style: chr9-95458118-G-C. GRCh37 (hg19) VCF-style: chr9-98220400-G-C.
Other names: c.2865C>G, p.Tyr955Ter (NM_001083602.3); c.3060C>G, p.Tyr1020Ter (NM_001083603.3); c.2610C>G, p.Tyr870Ter (NM_001083604.3, NM_001083605.3, NM_001083606.3 and 1 more transcripts); c.2907C>G, p.Tyr969Ter (NM_001354918.2); short protein forms Y870*, Y955*, Y969*, Y1020*, Y1021*.
Identifiers: ClinVar variation 2630023 (VCV002630023.1), dbSNP rs777191105, ClinGen allele CA374112464.

ClinVar aggregate classification (germline): Likely pathogenic (1 of 4 stars; one submission).

Conditions:
PTCH1-related disorder. Also called: PTCH1-related disorders; PTCH1-related condition.

Submission:

PreventionGenetics, part of Exact Sciences
Classification: Likely pathogenic for PTCH1-related condition. Last evaluated: 2023-01-17. Review status: criteria provided, single submitter. Criteria: ACMG Guidelines, 2015. Collection method: clinical testing. Allele origin: germline.
Comment: The PTCH1 c.3063C>G variant is predicted to result in premature protein termination (p.Tyr1021*). To our knowledge, this variant has not been reported in the literature or in a large population database, indicating this variant is rare. Nonsense variants in PTCH1 are expected to be pathogenic. This variant is interpreted as likely pathogenic.